The following is an entry in ClinVar:

ClinVar aggregate classification (germline): Likely benign. Review status: criteria provided, multiple submitters, no conflicts (2 of 4 stars). 4 submissions from 4 submitters: Likely benign (4). Last evaluated 2026-07-01.

Allele frequency attached by ClinVar (database versions not stated): ExAC 0.00277; gnomAD exomes 0.00299 and 0.00494; gnomAD 0.00343 and 0.00351; TOPMed 0.00391; ESP Exome Variant Server 0.00392; 1000 Genomes Project 0.00220; 1000 Genomes Project 30x 0.00265.
gnomAD v4.1: 7,709 of 1,614,160 alleles (0.48%); highest among the groups gnomAD compares: Non-Finnish European, 0.59%; 21 homozygotes.

Submissions (4):

CeGaT Center for Human Genetics Tuebingen
Classification: Likely benign. Last evaluated: 2026-07-01. Review status: criteria provided, single submitter. Criteria: CeGaT Center For Human Genetics Tuebingen Variant Classification Criteria Version 2. Collection method: clinical testing. Allele origin: germline. Affected: yes. Observed: 5 variant alleles.
Comment: PUS3: BS2

Labcorp Genetics (formerly Invitae), Labcorp
Classification: Likely benign. Last evaluated: 2026-01-19. Review status: criteria provided, single submitter. Criteria: Invitae Variant Classification Sherloc (09022015). Collection method: clinical testing. Allele origin: germline.

Blueprint Genetics
Classification: Likely benign. Last evaluated: 2024-11-26. Review status: criteria provided, single submitter. Criteria: ACMG Guidelines, 2015. Collection method: clinical testing. Allele origin: germline.

Breakthrough Genomics
Classification: Likely benign. Review status: criteria provided, single submitter. Criteria: ACMG Guidelines, 2015. Collection method: not provided. Allele origin: germline. Inheritance: Autosomal recessive inheritance. Affected: yes.

NM_031307.4(PUS3):c.158G>A (p.Arg53His)

Genes: HYLS1 (HYLS1 centriolar and ciliogenesis associated; plus strand), PUS3 (pseudouridine synthase 3; minus strand). Cytogenetic location: 11q24.2.
Variant type: single nucleotide variant.
Coding change: c.158G>A on transcript NM_031307.4 (MANE Select); coding-DNA position 158, G replaced by A.
Protein change: p.Arg53His; replaces arginine 53 with histidine.
Molecular consequence: missense variant. On other transcripts: intron variant (6).
Genome position (GRCh38, 1-based): chr11:125,896,127, C>T on the plus strand (G>A on the coding strand, the complement: PUS3 is on the minus strand). VCF-style: chr11-125896127-C-T. GRCh37 (hg19) VCF-style: chr11-125766022-C-T.
Other names: c.-80-2977C>T (NM_145014.3); c.-25-3217C>T (NM_001134793.2, NM_001377269.1); c.-22-3220C>T (NM_001424364.1, NM_001377270.1); c.-246-338G>A (NM_001271985.2); short protein forms R53H.
Identifiers: ClinVar variation 782218 (VCV000782218.35), dbSNP rs117878071, ClinGen allele CA6350586.